The following is an entry in ClinVar:

ClinVar aggregate classification (germline): Benign/Likely benign. Review status: criteria provided, multiple submitters, no conflicts (2 of 4 stars). 5 submissions from 5 submitters: Benign (2); Likely benign (2). 1 of the submissions does not count toward it. Last evaluated 2026-02-03.

Conditions:
MED13L-related disorder. Also called: MED13L-related condition.
Dextro-looped transposition of the great arteries. Also called: Dextrotransposition of the great arteries. Identifiers: Orphanet 860, MedGen C3531771, MONDO:0019443, OMIM 608808, HP:0031348.

Allele frequency attached by ClinVar (database versions not stated): gnomAD exomes 0.00088 and 0.00221; ExAC 0.00278; gnomAD 0.00806 and 0.00860; ESP Exome Variant Server 0.00807; TOPMed 0.00957; 1000 Genomes Project 0.00958; 1000 Genomes Project 30x 0.01062.

Submissions (12):

Labcorp Genetics (formerly Invitae), Labcorp
Classification: Benign for Dextro-looped transposition of the great arteries. Last evaluated: 2026-02-03. Review status: criteria provided, single submitter. Criteria: Invitae Variant Classification Sherloc (09022015). Collection method: clinical testing. Allele origin: germline.

GeneDx
Classification: Benign. Last evaluated: 2019-11-25. Review status: criteria provided, single submitter. Criteria: GeneDx Variant Classification Process June 2021. Collection method: clinical testing. Allele origin: germline. Affected: yes.

Center for Pediatric Genomic Medicine, Children's Mercy Hospital and Clinics
Classification: Likely benign. Last evaluated: 2017-05-08. Review status: criteria provided, single submitter. Criteria: ACMG Guidelines, 2015. Collection method: clinical testing. Allele origin: germline.

Breakthrough Genomics
Classification: Likely benign. Review status: criteria provided, single submitter. Criteria: ACMG Guidelines, 2015. Collection method: not provided. Allele origin: germline. Inheritance: Autosomal dominant inheritance. Affected: yes.

PreventionGenetics, part of Exact Sciences
Classification: Benign for MED13L-related condition. Last evaluated: 2019-05-08. Review status: no assertion criteria provided. Collection method: clinical testing. Allele origin: germline. Not counted in ClinVar's aggregate classification.
Comment: This variant is classified as benign based on ACMG/AMP sequence variant interpretation guidelines (Richards et al. 2015 PMID: 25741868, with internal and published modifications).

Dr. Peter K. Rogan Lab, Western University
No classification provided (evidence only). Condition: Lung cancer. Review status: no classification provided. Collection method: in vitro. Allele origin: not applicable. Functional consequence: skipped exon. Not counted in ClinVar's aggregate classification.

Dr. Peter K. Rogan Lab, Western University
No classification provided (evidence only). Condition: Lung cancer. Review status: no classification provided. Collection method: in vitro. Allele origin: not applicable. Functional consequence: skipped exon. Not counted in ClinVar's aggregate classification.

Dr. Peter K. Rogan Lab, Western University
No classification provided (evidence only). Condition: Acute myeloid leukemia. Review status: no classification provided. Collection method: in vitro. Allele origin: not applicable. Functional consequence: retained intron. Not counted in ClinVar's aggregate classification.

Dr. Peter K. Rogan Lab, Western University
No classification provided (evidence only). Condition: Acute myeloid leukemia. Review status: no classification provided. Collection method: in vitro. Allele origin: not applicable. Functional consequence: skipped exon, retained intron. Not counted in ClinVar's aggregate classification.

Dr. Peter K. Rogan Lab, Western University
No classification provided (evidence only). Condition: Colon adenocarcinoma. Review status: no classification provided. Collection method: in vitro. Allele origin: not applicable. Functional consequence: retained intron. Not counted in ClinVar's aggregate classification.

Dr. Peter K. Rogan Lab, Western University
No classification provided (evidence only). Condition: Uterine corpus endometrial carcinoma. Review status: no classification provided. Collection method: in vitro. Allele origin: not applicable. Functional consequence: retained intron. Not counted in ClinVar's aggregate classification.

Dr. Peter K. Rogan Lab, Western University
No classification provided (evidence only). Condition: Ovarian serous cystadenocarcinoma. Review status: no classification provided. Collection method: in vitro. Allele origin: not applicable. Functional consequence: retained intron. Not counted in ClinVar's aggregate classification.

NM_015335.5(MED13L):c.4744T>A (p.Ser1582Thr)

Gene: MED13L (mediator complex subunit 13L; minus strand). Cytogenetic location: 12q24.21.
Variant type: single nucleotide variant.
Coding change: c.4744T>A on transcript NM_015335.5 (MANE Select); coding-DNA position 4744, T replaced by A.
Protein change: p.Ser1582Thr; replaces serine 1582 with threonine.
Molecular consequence: missense variant.
Genome position (GRCh38, 1-based): chr12:115,983,328, A>T on the plus strand (T>A on the coding strand, the complement: MED13L is on the minus strand). VCF-style: chr12-115983328-A-T. GRCh37 (hg19) VCF-style: chr12-116421133-A-T.
Other names: short protein forms S1582T.
Identifiers: ClinVar variation 241043 (VCV000241043.18), dbSNP rs150222863, ClinGen allele CA6810736.
Genomic context (GRCh38, chr12:115,983,328, plus strand): 5'-TAGTGCTTATCTGGCTAATACCAGGAGCAGAGGCAGACGATGAGACCGGTGGCACAGAGG[A>T]ACCAGATGCAGAACTACTTGCTGCAGGATTTGTAGAACTACTATTCGAGGTGGGATTAAA-3'
Protein context (NP_056150.1, residues 1572-1592): NPAASSSASG[Ser1582Thr]SVPPVSSSAS